The following is an entry in ClinVar:

NM_004807.3(HS6ST1):c.1192G>A (p.Val398Met)

Gene: HS6ST1 (heparan sulfate 6-O-sulfotransferase 1; minus strand). Cytogenetic location: 2q14.3.
Variant type: single nucleotide variant.
Coding change: c.1192G>A on transcript NM_004807.3 (MANE Select); coding-DNA position 1192, G replaced by A.
Protein change: p.Val398Met; replaces valine 398 with methionine.
Molecular consequence: missense variant.
Genome position (GRCh38, 1-based): chr2:128,268,206, C>T on the plus strand (G>A on the coding strand, the complement: HS6ST1 is on the minus strand). VCF-style: chr2-128268206-C-T. GRCh37 (hg19) VCF-style: chr2-129025780-C-T.
Other names: short protein forms V398M.
Identifiers: ClinVar variation 4753029 (VCV004753029.2).

ClinVar aggregate classification (germline): Conflicting classifications of pathogenicity. Review status: criteria provided, conflicting classifications (1 of 4 stars). 2 submissions from 2 submitters: Uncertain significance (1); Likely benign (1). Last evaluated 2025-10-26.

gnomAD v4.1: 22 of 1,610,114 alleles (0.0014%); highest among the groups gnomAD compares: African/African-American, 0.0067%; no homozygotes.

Submissions (2):

Labcorp Genetics (formerly Invitae), Labcorp
Classification: Uncertain significance. Last evaluated: 2025-10-26. Review status: criteria provided, single submitter. Criteria: Invitae Variant Classification Sherloc (09022015). Collection method: clinical testing. Allele origin: germline.
Comment: This sequence change replaces valine, which is neutral and non-polar, with methionine, which is neutral and non-polar, at codon 398 of the HS6ST1 protein (p.Val398Met). This variant is present in population databases (rs374958226, gnomAD 0.009%). This variant has not been reported in the literature in individuals affected with HS6ST1-related conditions. An algorithm developed to predict the effect of missense changes on protein structure and function (PolyPhen-2) suggests that this variant is likely to be tolerated. In summary, the available evidence is currently insufficient to determine the role of this variant in disease. Therefore, it has been classified as a Variant of Uncertain Significance.

Blueprint Genetics
Classification: Likely benign. Last evaluated: 2019-09-27. Review status: criteria provided, single submitter. Criteria: ACMG Guidelines, 2015. Collection method: clinical testing. Allele origin: germline.